The following is an entry in ClinVar:

ClinVar aggregate classification (germline): Pathogenic. Review status: reviewed by expert panel (3 of 4 stars). 2 submissions from 2 submitters: Pathogenic (1). 1 of the submissions does not count toward it. Last evaluated 2016-09-08.

Conditions:
Hereditary cancer-predisposing syndrome. Also called: Hereditary Cancer Syndrome; Neoplastic Syndromes, Hereditary; Hereditary neoplastic syndrome; Tumor predisposition. Identifiers: Orphanet 140162, MedGen C0027672, MeSH D009386, MONDO:0015356.
Breast-ovarian cancer, familial, susceptibility to, 1 (BROVCA1). Also called: BRCA1 Hereditary Breast and Ovarian Cancer; OVARIAN CANCER, SUSCEPTIBILITY TO. Identifiers: Orphanet 145, MedGen C2676676, MONDO:0011450, OMIM 604370. Disease mechanism: loss of function.

Submissions (2):

Evidence-based Network for the Interpretation of Germline Mutant Alleles (ENIGMA)
Classification: Pathogenic for Breast-ovarian cancer, familial, susceptibility to, 1. Last evaluated: 2016-09-08. Review status: reviewed by expert panel. Criteria: ENIGMA BRCA1/2 Classification Criteria (2015). Collection method: curation. Allele origin: germline.
Comment: Variant allele predicted to encode a truncated non-functional protein.

Ambry Genetics
Classification: Pathogenic for Hereditary cancer-predisposing syndrome. Last evaluated: 2025-11-07. Review status: criteria provided, single submitter. Criteria: Ambry Variant Classification Scheme 2023. Collection method: clinical testing. Allele origin: germline. Not counted in ClinVar's aggregate classification.
Comment: The c.3531dupT pathogenic mutation, located in coding exon 9 of the BRCA1 gene, results from a duplication of T at nucleotide position 3531, causing a translational frameshift with a predicted alternate stop codon (p.S1178*). This alteration is expected to result in loss of function by premature protein truncation or nonsense-mediated mRNA decay. As such, this alteration is interpreted as a disease-causing mutation.

NM_007294.4(BRCA1):c.3531dup (p.Ser1178Ter)

Genes: BRCA1 (BRCA1 DNA repair associated; minus strand), LOC126862571 (BRD4-independent group 4 enhancer GRCh37_chr17:41243136-41244335; plus strand). Cytogenetic location: 17q21.31.
Variant type: Duplication.
Coding change: c.3531dup on transcript NM_007294.4 (MANE Select); coding-DNA position 3531, one base duplicated (T; older notation c.3531dupT).
Protein change: p.Ser1178Ter; replaces serine 1178 with a stop codon.
Molecular consequence: nonsense. On other transcripts: frameshift variant (1), intron variant (135).
Genome position (GRCh38, 1-based): chr17:43,092,000, A duplicated on the plus strand (T on the coding strand, the reverse complement: BRCA1 is on the minus strand); the first of 5 consecutive A bases (chr17:43,092,000-43,092,004); duplicating any one gives the same sequence. VCF-style (leftmost placement, unchanged base first): chr17-43091999-T-TA. GRCh37 (hg19) VCF-style: chr17-41244016-T-TA.
Other names: c.3531dupT (NM_007294.3); c.2643dup, p.Ser882Ter (NM_001407966.1, NM_001407967.1); c.927dup, p.Ser310Ter (NM_001407968.1, NM_001407969.1); c.3390dup, p.Ser1131Ter (NM_007297.4, NM_001407692.1, NM_001407694.1 and 29 more transcripts); c.3531dup, p.Ser1178Ter (NM_007300.4, NM_001407581.1, NM_001407582.1 and 30 more transcripts); c.647-968dup (NM_001408458.1, NM_001408469.1, NM_001408453.1 and 11 more transcripts); c.284-968dup (NM_001408512.1); c.407-968dup (NM_001408510.1); and 42 more; short protein forms S1131*, S1178*, S1090*, S1110*, S1111*, S1137*, S310*, S1050*.
Identifiers: ClinVar variation 254431 (VCV000254431.4), dbSNP rs80357621, ClinGen allele CA8589948.